The following is an entry in ClinVar:

NM_000179.3(MSH6):c.1981G>C (p.Gly661Arg)

Gene: MSH6 (mutS homolog 6; plus strand). Cytogenetic location: 2p16.3.
Variant type: single nucleotide variant.
Coding change: c.1981G>C on transcript NM_000179.3 (MANE Select); coding-DNA position 1981, G replaced by C.
Protein change: p.Gly661Arg; replaces glycine 661 with arginine.
Molecular consequence: missense variant. On other transcripts: non-coding transcript variant (5), intron variant (2).
Genome position (GRCh38, 1-based): chr2:47,799,964, G>C. VCF-style: chr2-47799964-G-C. GRCh37 (hg19) VCF-style: chr2-48027103-G-C.
Other names: c.1075G>C, p.Gly359Arg (NM_001406829.1, NM_001281493.2, NM_001281494.2 and 6 more transcripts); c.1684G>C, p.Gly562Arg (NM_001406830.1, NM_001406797.1, NM_001406801.1 and 10 more transcripts); c.1606+375G>C (NM_001406817.1); c.628-702G>C (NM_001407362.1); c.1591G>C, p.Gly531Arg (NM_001281492.2); c.2077G>C, p.Gly693Arg (NM_001406795.1, NM_001406802.1); c.1981G>C, p.Gly661Arg (NM_001406796.1, NM_001406798.1, NM_001406800.1 and 3 more transcripts); c.1456G>C, p.Gly486Arg (NM_001406799.1, NM_001406806.1, NM_001406807.1); and 3 more; short protein forms G605R, G661R, G359R, G531R, G562R, G693R, G635R, G663R.
Identifiers: ClinVar variation 4111240 (VCV004111240.1).
Genomic context (GRCh38, chr2:47,799,964, plus strand): 5'-GAATATTTTAGGGAAAAGCTAAGTGATGGCATTGGGGTGATGTTACCCCAGGTGCTTAAA[G>C]GTATGACTTCAGAGTCTGATTCCATTGGGTTGACACCAGGAGAGAAAAGTGAATTGGCCC-3'
Protein context (NP_000170.1, residues 651-671): IGVMLPQVLK[Gly661Arg]MTSESDSIGL

ClinVar aggregate classification (germline): Uncertain significance (1 of 4 stars; one submission).

Conditions:
Hereditary cancer-predisposing syndrome. Also called: Tumor predisposition; Neoplastic Syndromes, Hereditary; Hereditary neoplastic syndrome; Hereditary Cancer Syndrome. Identifiers: Orphanet 140162, MedGen C0027672, MeSH D009386, MONDO:0015356.

Submission:

Ambry Genetics
Classification: Uncertain significance for Hereditary cancer-predisposing syndrome. Last evaluated: 2025-08-31. Review status: criteria provided, single submitter. Criteria: Ambry Variant Classification Scheme 2023. Collection method: clinical testing. Allele origin: germline.
Comment: The p.G661R variant (also known as c.1981G>C), located in coding exon 4 of the MSH6 gene, results from a G to C substitution at nucleotide position 1981. The glycine at codon 661 is replaced by arginine, an amino acid with dissimilar properties. This amino acid position is conserved. In addition, this alteration is predicted to be tolerated by in silico analysis. Based on the available evidence, the clinical significance of this variant remains unclear.